The following is an entry in ClinVar:

NM_004415.4(DSP):c.939+132G>A

Gene: DSP (desmoplakin; plus strand). Cytogenetic location: 6p24.3.
Variant type: single nucleotide variant.
Coding change: c.939+132G>A on transcript NM_004415.4 (MANE Select); 132 bases into the intron after coding-DNA position 939, G replaced by A.
Molecular consequence: intron variant.
Genome position (GRCh38, 1-based): chr6:7,565,652, G>A. VCF-style: chr6-7565652-G-A. GRCh37 (hg19) VCF-style: chr6-7565885-G-A.
Other names: c.939+132G>A (NM_001319034.2, NM_001008844.3).
Identifiers: ClinVar variation 672129 (VCV000672129.1), dbSNP rs3778337, ClinGen allele CA12287836.
Genomic context (GRCh38, chr6:7,565,652, plus strand): 5'-ATGATTGGTCTATTAATAATTTAATCAGCCACTTGCAATTCAGCCTTCTTTGAAATGGTC[G>A]TGAAAAATCCTTCCTTCCTGAAAACTTCTCCGTGTGGAGGCCATTATCCTTAGCAAACTT-3'

ClinVar aggregate classification (germline): Benign (1 of 4 stars; one submission).

Allele frequency attached by ClinVar (database versions not stated): gnomAD 0.26429 and 0.26786; TOPMed 0.27862; 1000 Genomes Project 30x 0.29872; 1000 Genomes Project 0.30351.
gnomAD v4.1: 353,787 of 1,247,782 alleles (28%); highest among the groups gnomAD compares: East Asian, 47%; 52,232 homozygotes.

Submission:

GeneDx
Classification: Benign. Last evaluated: 2018-06-15. Review status: criteria provided, single submitter. Criteria: GeneDx Variant Classification (06012015). Collection method: clinical testing. Allele origin: germline. Affected: yes.
Comment: This variant is considered likely benign or benign based on one or more of the following criteria: it is a conservative change, it occurs at a poorly conserved position in the protein, it is predicted to be benign by multiple in silico algorithms, and/or has population frequency not consistent with disease.